The following is an entry in ClinVar:

ClinVar aggregate classification (germline): Uncertain significance. Review status: criteria provided, multiple submitters, no conflicts (2 of 4 stars). 5 submissions from 3 submitters: Uncertain significance (5). Last evaluated 2025-03-10.

Conditions:
Retinitis pigmentosa 12 (RP12). Also called: RP WITH OR WITHOUT PPRPE; RP WITH OR WITHOUT PRESERVED PARAARTERIOLE RETINAL PIGMENT EPITHELIUM; RETINITIS PIGMENTOSA WITH OR WITHOUT PARAARTERIOLAR PRESERVATION OF RETINAL PIGMENT EPITHELIUM. Identifiers: Orphanet 791, MedGen C1838647, MONDO:0010818, OMIM 600105.
Leber congenital amaurosis 8 (LCA8). Identifiers: Orphanet 65, MedGen C3151202, MONDO:0013453, OMIM 613835.
Cone-rod dystrophy. Also called: Cone/cone-rod dystrophy; Cone-rod degeneration. Identifiers: Orphanet 1872, MedGen C4085590, MONDO:0015993, HP:0000548.
Pigmented paravenous retinochoroidal atrophy. Identifiers: Orphanet 251295, MedGen C1868310, MONDO:0008246, OMIM 172870.

Submissions (5):

Labcorp Genetics (formerly Invitae), Labcorp
Classification: Uncertain significance for Leber congenital amaurosis 8; Retinitis pigmentosa 12. Last evaluated: 2025-03-10. Review status: criteria provided, single submitter. Criteria: Invitae Variant Classification Sherloc (09022015). Collection method: clinical testing. Allele origin: germline.
Comment: This variant, c.1838_1840dup, results in the insertion of 1 amino acid(s) of the CRB1 protein (p.Leu613_Gly614insVal), but otherwise preserves the integrity of the reading frame. This variant is not present in population databases (gnomAD no frequency). This variant has been observed in individual(s) with cone-rod dystrophy (PMID: 36909829). ClinVar contains an entry for this variant (Variation ID: 1514726). Experimental studies and prediction algorithms are not available or were not evaluated, and the functional significance of this variant is currently unknown. In summary, the available evidence is currently insufficient to determine the role of this variant in disease. Therefore, it has been classified as a Variant of Uncertain Significance.

Ophthalmic Genetics Group, Institute of Molecular and Clinical Ophthalmology Basel
Classification: Uncertain significance for Cone-rod dystrophy. Last evaluated: 2023-07-24. Review status: criteria provided, single submitter. Criteria: ACMG Guidelines, 2015. Collection method: research. Allele origin: germline. Affected: yes. Observed: 1 variant allele.
Comment: Clinical significance based on ACMG v2.0

This variant was classified as Uncertain significance based on ACMG criteria: PM2, PM4, PM1.

Genome-Nilou Lab
Classification: Uncertain significance for Leber congenital amaurosis 8. Last evaluated: 2023-04-11. Review status: criteria provided, single submitter. Criteria: ACMG Guidelines, 2015. Collection method: clinical testing. Allele origin: germline. Affected: no.

Genome-Nilou Lab
Classification: Uncertain significance for Pigmented paravenous retinochoroidal atrophy. Last evaluated: 2023-04-11. Review status: criteria provided, single submitter. Criteria: ACMG Guidelines, 2015. Collection method: clinical testing. Allele origin: germline. Affected: no.

Genome-Nilou Lab
Classification: Uncertain significance for Retinitis pigmentosa 12. Last evaluated: 2023-04-11. Review status: criteria provided, single submitter. Criteria: ACMG Guidelines, 2015. Collection method: clinical testing. Allele origin: germline. Affected: no.

Literature cited by the submitters: PubMed 36909829 (cited by Labcorp Genetics (formerly Invitae), Labcorp and Ophthalmic Genetics Group, Institute of Molecular and Clinical Ophthalmology Basel).

NM_201253.3(CRB1):c.1838_1840dup (p.Leu613_Gly614insVal)

Gene: CRB1 (crumbs cell polarity complex component 1; plus strand). Cytogenetic location: 1q31.3.
Variant type: Duplication.
Coding change: c.1838_1840dup on transcript NM_201253.3 (MANE Select); coding-DNA positions 1838 to 1840, 3 bases duplicated (TGG; older notation c.1838_1840dupTGG).
Protein change: p.Leu613_Gly614insVal.
Molecular consequence: inframe insertion. On other transcripts: non-coding transcript variant (1).
Genome position (GRCh38, 1-based): chr1:197,421,666-197,421,668, TGG duplicated. VCF-style (leftmost placement, unchanged base first): chr1-197421665-T-TTGG. GRCh37 (hg19) VCF-style: chr1-197390795-T-TTGG.
Other names: NC_000001.10:g.197390796_197390798dup; NP_957705.1:p.(Leu613_Gly614insVal); c.1502_1504dup, p.Leu501_Gly502insVal (NM_001193640.2); c.1631_1633dup, p.Leu544_Gly545insVal (NM_001257965.2); c.1838_1840dup, p.Leu613_Gly614insVal (NM_001257966.2).
Identifiers: ClinVar variation 1514726 (VCV001514726.9), dbSNP rs2125471114, ClinGen allele CA2573131441.